The following is an entry in ClinVar:

NM_032776.3(JMJD1C):c.5995A>C (p.Lys1999Gln)

Gene: JMJD1C (jumonji domain containing 1C; minus strand). Cytogenetic location: 10q21.3.
Variant type: single nucleotide variant.
Coding change: c.5995A>C on transcript NM_032776.3 (MANE Select); coding-DNA position 5995, A replaced by C.
Protein change: p.Lys1999Gln; replaces lysine 1999 with glutamine.
Molecular consequence: missense variant. On other transcripts: non-coding transcript variant (1).
Genome position (GRCh38, 1-based): chr10:63,193,019, T>G on the plus strand (A>C on the coding strand, the complement: JMJD1C is on the minus strand). VCF-style: chr10-63193019-T-G. GRCh37 (hg19) VCF-style: chr10-64952779-T-G.
Other names: c.5449A>C, p.Lys1817Gln (NM_001282948.2, NM_001318154.2); c.5131A>C, p.Lys1711Gln (NM_001318153.2); c.5881A>C, p.Lys1961Gln (NM_001322252.2); c.5338A>C, p.Lys1780Gln (NM_001322254.2, NM_001322258.2); short protein forms K1780Q, K1817Q, K1961Q, K1999Q, K1711Q.
Identifiers: ClinVar variation 1925991 (VCV001925991.5), dbSNP rs1253490105, ClinGen allele CA377026292.

ClinVar aggregate classification (germline): Uncertain significance (1 of 4 stars; one submission).

Conditions:
Early Myoclonic Encephalopathy. Identifiers: MedGen C0270855.

gnomAD v4.1: 14 of 1,614,176 alleles (0.00087%); highest among the groups gnomAD compares: Non-Finnish European, 0.0011%; no homozygotes.

Submission:

Labcorp Genetics (formerly Invitae), Labcorp
Classification: Uncertain significance for Early Myoclonic Encephalopathy. Last evaluated: 2022-09-27. Review status: criteria provided, single submitter. Criteria: Invitae Variant Classification Sherloc (09022015). Collection method: clinical testing. Allele origin: germline.
Comment: Advanced modeling of protein sequence and biophysical properties (such as structural, functional, and spatial information, amino acid conservation, physicochemical variation, residue mobility, and thermodynamic stability) performed at Invitae indicates that this missense variant is expected to disrupt JMJD1C protein function. In summary, the available evidence is currently insufficient to determine the role of this variant in disease. Therefore, it has been classified as a Variant of Uncertain Significance. This variant has not been reported in the literature in individuals affected with JMJD1C-related conditions. This variant is not present in population databases (gnomAD no frequency). This sequence change replaces lysine, which is basic and polar, with glutamine, which is neutral and polar, at codon 1999 of the JMJD1C protein (p.Lys1999Gln).